The following is an entry in ClinVar:

NM_015375.3(DSTYK):c.2162A>G (p.Asn721Ser)

Gene: DSTYK (dual serine/threonine and tyrosine protein kinase; minus strand). Cytogenetic location: 1q32.1.
Variant type: single nucleotide variant.
Coding change: c.2162A>G on transcript NM_015375.3 (MANE Select); coding-DNA position 2162, A replaced by G.
Protein change: p.Asn721Ser; replaces asparagine 721 with serine.
Molecular consequence: missense variant.
Genome position (GRCh38, 1-based): chr1:205,159,623, T>C on the plus strand (A>G on the coding strand, the complement: DSTYK is on the minus strand). VCF-style: chr1-205159623-T-C. GRCh37 (hg19) VCF-style: chr1-205128751-T-C.
Other names: c.2162A>G (NM_015375.2); c.2162A>G, p.Asn721Ser (NM_199462.3); short protein forms N721S.
Identifiers: ClinVar variation 1421911 (VCV001421911.9), dbSNP rs56147706, ClinGen allele CA1352642.

ClinVar aggregate classification (germline): Conflicting classifications of pathogenicity. Review status: criteria provided, conflicting classifications (1 of 4 stars). 2 submissions from 2 submitters: Uncertain significance (1); Likely benign (1). Last evaluated 2025-12-11.

Allele frequency attached by ClinVar (database versions not stated): gnomAD exomes below 0.00001 and 0.00001; ExAC 0.00001; gnomAD 0.00002.
gnomAD v4.1: 9 of 1,613,642 alleles (0.00056%); highest among the groups gnomAD compares: Non-Finnish European, 0.00059%; no homozygotes.

Submissions (2):

Ambry Genetics
Classification: Likely benign. Last evaluated: 2025-12-11. Review status: criteria provided, single submitter. Criteria: Ambry Variant Classification Scheme 2023. Collection method: clinical testing. Allele origin: germline.

Labcorp Genetics (formerly Invitae), Labcorp
Classification: Uncertain significance. Last evaluated: 2021-03-30. Review status: criteria provided, single submitter. Criteria: Invitae Variant Classification Sherloc (09022015). Collection method: clinical testing. Allele origin: germline.
Comment: In summary, the available evidence is currently insufficient to determine the role of this variant in disease. Therefore, it has been classified as a Variant of Uncertain Significance. Algorithms developed to predict the effect of sequence changes on RNA splicing suggest that this variant may create or strengthen a splice site, but this prediction has not been confirmed by published transcriptional studies. Algorithms developed to predict the effect of missense changes on protein structure and function output the following: SIFT: "Tolerated"; PolyPhen-2: "Benign"; Align-GVGD: "Class C0". The serine amino acid residue is found in multiple mammalian species, suggesting that this missense change does not adversely affect protein function. These predictions have not been confirmed by published functional studies and their clinical significance is uncertain. This variant has not been reported in the literature in individuals with DSTYK-related conditions. This variant is present in population databases (rs56147706, ExAC 0.002%). This sequence change replaces asparagine with serine at codon 721 of the DSTYK protein (p.Asn721Ser). The asparagine residue is moderately conserved and there is a small physicochemical difference between asparagine and serine.